The following is an entry in ClinVar:

ClinVar aggregate classification (germline): Uncertain significance. Review status: criteria provided, single submitter (1 of 4 stars). 2 submissions from 2 submitters: Uncertain significance (1). 1 of the submissions does not count toward it. Last evaluated 2026-01-20.

Conditions:
Werner syndrome (WRN). Identifiers: Orphanet 902, MedGen C0043119, MONDO:0010196, OMIM 277700.
WRN-related disorder. Also called: WRN-related condition.

Allele frequency attached by ClinVar (database versions not stated): gnomAD exomes 0.00001 and 0.00008; ExAC 0.00002; TOPMed 0.00004; gnomAD 0.00006.
gnomAD v4.1: 128 of 1,613,450 alleles (0.0079%); highest among the groups gnomAD compares: Non-Finnish European, 0.011%; no homozygotes.

Submissions (2):

Labcorp Genetics (formerly Invitae), Labcorp
Classification: Uncertain significance for Werner syndrome. Last evaluated: 2026-01-20. Review status: criteria provided, single submitter. Criteria: Invitae Variant Classification Sherloc (09022015). Collection method: clinical testing. Allele origin: germline.
Comment: This sequence change replaces serine, which is neutral and polar, with isoleucine, which is neutral and non-polar, at codon 484 of the WRN protein (p.Ser484Ile). This variant is present in population databases (rs776008000, gnomAD 0.005%). This variant has not been reported in the literature in individuals affected with WRN-related conditions. ClinVar contains an entry for this variant (Variation ID: 528100). An algorithm developed to predict the effect of missense changes on protein structure and function (PolyPhen-2) suggests that this variant is likely to be tolerated. In summary, the available evidence is currently insufficient to determine the role of this variant in disease. Therefore, it has been classified as a Variant of Uncertain Significance.

PreventionGenetics, part of Exact Sciences
Classification: Uncertain significance for WRN-related condition. Last evaluated: 2023-10-30. Review status: no assertion criteria provided. Collection method: clinical testing. Allele origin: germline. Not counted in ClinVar's aggregate classification.
Comment: The WRN c.1451G>T variant is predicted to result in the amino acid substitution p.Ser484Ile. To our knowledge, this variant has not been reported in the literature. This variant is reported in 0.0047% of alleles in individuals of European (Non-Finnish) descent in gnomAD and is interpreted as a variant of uncertain significance in ClinVar. At this time, the clinical significance of this variant is uncertain due to the absence of conclusive functional and genetic evidence.

NM_000553.6(WRN):c.1451G>T (p.Ser484Ile)

Gene: WRN (WRN RecQ like helicase; plus strand). Cytogenetic location: 8p12.
Variant type: single nucleotide variant.
Coding change: c.1451G>T on transcript NM_000553.6 (MANE Select); coding-DNA position 1451, G replaced by T.
Protein change: p.Ser484Ile; replaces serine 484 with isoleucine.
Molecular consequence: missense variant.
Genome position (GRCh38, 1-based): chr8:31,087,795, G>T. VCF-style: chr8-31087795-G-T. GRCh37 (hg19) VCF-style: chr8-30945311-G-T.
Other names: short protein forms S484I.
Identifiers: ClinVar variation 528100 (VCV000528100.9), dbSNP rs776008000, ClinGen allele CA4704377.
Genomic context (GRCh38, chr8:31,087,795, plus strand): 5'-TGTCAGTGGTTTTGCTTTTAAGATTTCTTTTAAACTTTCAGTCTTTAGAAAACCTCAATA[G>T]TGGCACGGTAGAACCAACTCATTCTAAATGCTTAAAAATGGAAAGAAATCTGGGTCTTCC-3'
Protein context (NP_000544.2, residues 474-494): EMLKSLENLN[Ser484Ile]GTVEPTHSKC